The following is an entry in ClinVar:

NM_001394372.1(BICRA):c.360C>T (p.Ala120=)

Gene: BICRA (BRD4 interacting chromatin remodeling complex associated protein; plus strand). Cytogenetic location: 19q13.33.
Variant type: single nucleotide variant.
Coding change: c.360C>T on transcript NM_001394372.1 (MANE Select); coding-DNA position 360, C replaced by T.
Protein change: p.Ala120=; no amino-acid change (alanine 120 retained).
Molecular consequence: synonymous variant.
Genome position (GRCh38, 1-based): chr19:47,679,530, C>T. VCF-style: chr19-47679530-C-T. GRCh37 (hg19) VCF-style: chr19-48182787-C-T.
Other names: c.360C>T, p.Ala120= (NM_015711.3).
Identifiers: ClinVar variation 1279704 (VCV001279704.4), dbSNP rs4802382, ClinGen allele CA9541581.

ClinVar aggregate classification (germline): Benign. Review status: criteria provided, multiple submitters, no conflicts (2 of 4 stars). 3 submissions from 3 submitters: Benign (2). 1 of the submissions does not count toward it. Last evaluated 2020-02-13.

Conditions:
BICRA-related disorder. Also called: BICRA-related condition.

Allele frequency attached by ClinVar (database versions not stated): gnomAD exomes 0.26879 and 0.27742; TOPMed 0.31452; ExAC 0.33627; 1000 Genomes Project 30x 0.33807; 1000 Genomes Project 0.33946.
gnomAD v4.1: 421,960 of 1,545,274 alleles (27%); highest among the groups gnomAD compares: African/African-American, 41%; 59,270 homozygotes.

Submissions (3):

GeneDx
Classification: Benign. Last evaluated: 2020-02-13. Review status: criteria provided, single submitter. Criteria: GeneDx Variant Classification Process June 2021. Collection method: clinical testing. Allele origin: germline. Affected: yes.

Breakthrough Genomics
Classification: Benign. Review status: criteria provided, single submitter. Criteria: ACMG Guidelines, 2015. Collection method: not provided. Allele origin: germline. Inheritance: Autosomal dominant inheritance. Affected: yes.

PreventionGenetics, part of Exact Sciences
Classification: Benign for BICRA-related condition. Last evaluated: 2023-02-01. Review status: no assertion criteria provided. Collection method: clinical testing. Allele origin: germline. Not counted in ClinVar's aggregate classification.
Comment: This variant is classified as benign based on ACMG/AMP sequence variant interpretation guidelines (Richards et al. 2015 PMID: 25741868, with internal and published modifications).